The following is an entry in ClinVar:

ClinVar aggregate classification (germline): Likely benign. Review status: criteria provided, multiple submitters, no conflicts (2 of 4 stars). 4 submissions from 4 submitters: Likely benign (4). Last evaluated 2026-01-06.

Conditions:
Hypertrophic cardiomyopathy 15. Identifiers: MedGen C2750459, MONDO:0013200, OMIM 613255.
Dilated cardiomyopathy 1W (CMD1W). Identifiers: Orphanet 154, MedGen C1969639, MONDO:0012667, OMIM 611407.

Allele frequency attached by ClinVar (database versions not stated): gnomAD exomes below 0.00001; gnomAD 0.00001; TOPMed 0.00001.
gnomAD v4.1: 9 of 1,608,718 alleles (0.00056%); highest among the groups gnomAD compares: East Asian, 0.0045%; no homozygotes.

Submissions (4):

Labcorp Genetics (formerly Invitae), Labcorp
Classification: Likely benign for Dilated cardiomyopathy 1W. Last evaluated: 2026-01-06. Review status: criteria provided, single submitter. Criteria: Invitae Variant Classification Sherloc (09022015). Collection method: clinical testing. Allele origin: germline.

Blueprint Genetics
Classification: Likely benign. Last evaluated: 2024-07-29. Review status: criteria provided, single submitter. Criteria: ACMG Guidelines, 2015. Collection method: clinical testing. Allele origin: germline.

Fulgent Genetics
Classification: Likely benign for Dilated cardiomyopathy 1W; Hypertrophic cardiomyopathy 15. Last evaluated: 2021-09-27. Review status: criteria provided, single submitter. Criteria: ACMG Guidelines, 2015. Collection method: clinical testing. Allele origin: unknown.

GeneDx
Classification: Likely benign. Last evaluated: 2015-10-28. Review status: criteria provided, single submitter. Criteria: GeneDx Variant Classification (06012015). Collection method: clinical testing. Allele origin: germline. Affected: yes.
Comment: This variant is considered likely benign or benign based on one or more of the following criteria: it is a conservative change, it occurs at a poorly conserved position in the protein, it is predicted to be benign by multiple in silico algorithms, and/or has population frequency not consistent with disease.

NM_014000.3(VCL):c.239+11G>A

Gene: VCL (vinculin; plus strand). Cytogenetic location: 10q22.2.
Variant type: single nucleotide variant.
Coding change: c.239+11G>A on transcript NM_014000.3 (MANE Select); 11 bases into the intron after coding-DNA position 239, G replaced by A.
Molecular consequence: intron variant.
Genome position (GRCh38, 1-based): chr10:74,043,164, G>A. VCF-style: chr10-74043164-G-A. GRCh37 (hg19) VCF-style: chr10-75802922-G-A.
Other names: c.239+11G>A (NM_003373.4).
Identifiers: ClinVar variation 378848 (VCV000378848.10), dbSNP rs918332199, ClinGen allele CA16606053.